The following is an entry in ClinVar:

ClinVar aggregate classification (germline): Uncertain significance (1 of 4 stars; one submission).

Conditions:
Inborn genetic diseases. Identifiers: MedGen C0950123, MeSH D030342.

Submission:

Ambry Genetics
Classification: Uncertain significance for Inborn genetic diseases. Last evaluated: 2021-03-08. Review status: criteria provided, single submitter. Criteria: Ambry Variant Classification Scheme 2023. Collection method: clinical testing. Allele origin: germline.
Comment: The c.1826G>A (p.G609D) alteration is located in exon 1 (coding exon 1) of the SHANK2 gene. This alteration results from a G to A substitution at nucleotide position 1826, causing the glycine (G) at amino acid position 609 to be replaced by an aspartic acid (D). The in silico prediction for the p.G609D alteration is inconclusive. Based on insufficient or conflicting evidence, the clinical significance of this alteration remains unclear.

NM_012309.5(SHANK2):c.1826G>A (p.Gly609Asp)

Gene: SHANK2 (SH3 and multiple ankyrin repeat domains 2; minus strand). Cytogenetic location: 11q13.4.
Variant type: single nucleotide variant.
Coding change: c.1826G>A on transcript NM_012309.5 (MANE Select); coding-DNA position 1826, G replaced by A.
Protein change: p.Gly609Asp; replaces glycine 609 with aspartic acid.
Molecular consequence: missense variant.
Genome position (GRCh38, 1-based): chr11:70,698,715, C>T on the plus strand (G>A on the coding strand, the complement: SHANK2 is on the minus strand). VCF-style: chr11-70698715-C-T. GRCh37 (hg19) VCF-style: chr11-70544820-C-T.
Other names: c.689G>A, p.Gly230Asp (NM_001379226.1); short protein forms G230D, G609D.
Identifiers: ClinVar variation 2229436 (VCV002229436.2), dbSNP rs2498514032, ClinGen allele CA381958778.